The following is an entry in ClinVar:

ClinVar aggregate classification (germline): Uncertain significance. Review status: criteria provided, multiple submitters, no conflicts (2 of 4 stars). 2 submissions from 2 submitters: Uncertain significance (2). Last evaluated 2022-09-07.

Conditions:
Muscular dystrophy-dystroglycanopathy (congenital with brain and eye anomalies), type A2. Also called: MUSCULAR DYSTROPHY-DYSTROGLYCANOPATHY (CONGENITAL WITH BRAIN AND EYE ANOMALIES), TYPE A, 2; WALKER-WARBURG SYNDROME OR MUSCLE-EYE-BRAIN DISEASE, POMT2-RELATED. Identifiers: Orphanet 588, Orphanet 899, MedGen C3150411, MONDO:0013154, OMIM 613150.
Muscular dystrophy-dystroglycanopathy (congenital with impaired intellectual development), type B, 2. Also called: MUSCULAR DYSTROPHY, CONGENITAL, POMT2-RELATED; Muscular dystrophy-dystroglycanopathy (congenital with intellectual disability), type B2. Identifiers: MedGen C3150416, MONDO:0013160, OMIM 613156.
Autosomal recessive limb-girdle muscular dystrophy type 2N. Also called: MUSCULAR DYSTROPHY-DYSTROGLYCANOPATHY, LIMB-GIRDLE, POMT2-RELATED; Muscular dystrophy-dystroglycanopathy (limb-girdle), type C, 2. Identifiers: Orphanet 206559, MedGen C3150418, MONDO:0013162, OMIM 613158.

Allele frequency attached by ClinVar (database versions not stated): gnomAD 0.00012 and 0.00011; TOPMed 0.00001; gnomAD exomes 0.00007 and 0.00003; ExAC 0.00009.
gnomAD v4.1: 57 of 1,612,804 alleles (0.0035%); highest among the groups gnomAD compares: Non-Finnish European, 0.0025%; no homozygotes.

Submissions (2):

Labcorp Genetics (formerly Invitae), Labcorp
Classification: Uncertain significance for Muscular dystrophy-dystroglycanopathy (congenital with impaired intellectual development), type B, 2; Muscular dystrophy-dystroglycanopathy (congenital with brain and eye anomalies), type A2; Autosomal recessive limb-girdle muscular dystrophy type 2N. Last evaluated: 2022-09-07. Review status: criteria provided, single submitter. Criteria: Invitae Variant Classification Sherloc (09022015). Collection method: clinical testing. Allele origin: germline.
Comment: This sequence change replaces alanine, which is neutral and non-polar, with valine, which is neutral and non-polar, at codon 630 of the POMT2 protein (p.Ala630Val). This variant is present in population databases (rs752214239, gnomAD 0.05%). This variant has not been reported in the literature in individuals affected with POMT2-related conditions. ClinVar contains an entry for this variant (Variation ID: 807151). Algorithms developed to predict the effect of missense changes on protein structure and function (SIFT, PolyPhen-2, Align-GVGD) all suggest that this variant is likely to be tolerated. Algorithms developed to predict the effect of sequence changes on RNA splicing suggest that this variant may disrupt the consensus splice site. In summary, the available evidence is currently insufficient to determine the role of this variant in disease. Therefore, it has been classified as a Variant of Uncertain Significance.

CeGaT Center for Human Genetics Tuebingen
Classification: Uncertain significance. Last evaluated: 2018-02-01. Review status: criteria provided, single submitter. Criteria: CeGaT Center For Human Genetics Tuebingen Variant Classification Criteria Version 2. Collection method: clinical testing. Allele origin: germline. Affected: yes. Observed: 1 variant allele.

NM_013382.7(POMT2):c.1889C>T (p.Ala630Val)

Gene: POMT2 (protein O-mannosyltransferase 2; minus strand). Cytogenetic location: 14q24.3.
Variant type: single nucleotide variant.
Coding change: c.1889C>T on transcript NM_013382.7 (MANE Select); coding-DNA position 1889, C replaced by T.
Protein change: p.Ala630Val; replaces alanine 630 with valine.
Molecular consequence: missense variant.
Genome position (GRCh38, 1-based): chr14:77,279,825, G>A on the plus strand (C>T on the coding strand, the complement: POMT2 is on the minus strand). VCF-style: chr14-77279825-G-A. GRCh37 (hg19) VCF-style: chr14-77746168-G-A.
Other names: short protein forms A630V.
Identifiers: ClinVar variation 807151 (VCV000807151.46), dbSNP rs752214239, ClinGen allele CA7285661.